The following is an entry in ClinVar:

NM_025179.4(PLXNA2):c.4109G>A (p.Arg1370His)

Gene: PLXNA2 (plexin A2; minus strand). Cytogenetic location: 1q32.2.
Variant type: single nucleotide variant.
Coding change: c.4109G>A on transcript NM_025179.4 (MANE Select); coding-DNA position 4109, G replaced by A.
Protein change: p.Arg1370His; replaces arginine 1370 with histidine.
Molecular consequence: missense variant.
Genome position (GRCh38, 1-based): chr1:208,042,275, C>T on the plus strand (G>A on the coding strand, the complement: PLXNA2 is on the minus strand). VCF-style: chr1-208042275-C-T. GRCh37 (hg19) VCF-style: chr1-208215620-C-T.
Other names: short protein forms R1370H.
Identifiers: ClinVar variation 4986633 (VCV004986633.1).

ClinVar aggregate classification (germline): Uncertain significance (1 of 4 stars; one submission).

Conditions:
PLXNA2-related disorder. Also called: PLXNA2-related condition.

gnomAD v4.1: 33 of 1,614,198 alleles (0.002%); highest among the groups gnomAD compares: East Asian, 0.0045%; no homozygotes.

Submission:

PreventionGenetics, part of Exact Sciences
Classification: Uncertain significance for PLXNA2-related condition. Last evaluated: 2026-06-16. Review status: criteria provided, single submitter. Criteria: ACMG Guidelines, 2015. Collection method: clinical testing. Allele origin: germline.
Comment: The PLXNA2 c.4109G>A variant is predicted to result in the amino acid substitution p.Arg1370His. To our knowledge, this variant has not been reported in the literature. This variant is reported in 0.0056% of alleles in individuals of Latino descent in gnomAD. At this time, the clinical significance of this variant is uncertain due to the absence of conclusive functional and genetic evidence.